The following is an entry in ClinVar:

NM_001377.3(DYNC2H1):c.12776G>T (p.Gly4259Val)

Gene: DYNC2H1 (dynein cytoplasmic 2 heavy chain 1; plus strand). Cytogenetic location: 11q22.3.
Variant type: single nucleotide variant.
Coding change: c.12776G>T on transcript NM_001377.3 (MANE Select); coding-DNA position 12776, G replaced by T.
Protein change: p.Gly4259Val; replaces glycine 4259 with valine.
Molecular consequence: missense variant.
Genome position (GRCh38, 1-based): chr11:103,479,105, G>T. VCF-style: chr11-103479105-G-T. GRCh37 (hg19) VCF-style: chr11-103349833-G-T.
Other names: c.12797G>T, p.Gly4266Val (NM_001080463.2); short protein forms G4266V, G4259V.
Identifiers: ClinVar variation 528902 (VCV000528902.14), dbSNP rs368203507, ClinGen allele CA6255686.

ClinVar aggregate classification (germline): Uncertain significance. Review status: criteria provided, multiple submitters, no conflicts (2 of 4 stars). 5 submissions from 5 submitters: Uncertain significance (5). Last evaluated 2025-03-25.

Conditions:
Inborn genetic diseases. Identifiers: MedGen C0950123, MeSH D030342.
Jeune thoracic dystrophy. Also called: Jeune syndrome; Infantile thoracic dystrophy; Thoracic pelvic phalangeal dystrophy; Jeune's syndrome; Chondroectodermal dysplasia-like syndrome; Short-rib thoracic dysplasia. Identifiers: Orphanet 474, MedGen C0265275, MONDO:0018770.

Allele frequency attached by ClinVar (database versions not stated): ExAC 0.00003; TOPMed 0.00008; gnomAD 0.00015 and 0.00016; ESP Exome Variant Server 0.00025.
gnomAD v4.1: 26 of 1,613,422 alleles (0.0016%); highest among the groups gnomAD compares: African/African-American, 0.035%; no homozygotes.

Submissions (5):

Ambry Genetics
Classification: Uncertain significance for Inborn genetic diseases. Last evaluated: 2025-03-25. Review status: criteria provided, single submitter. Criteria: Ambry Variant Classification Scheme 2023. Collection method: clinical testing. Allele origin: germline.

Labcorp Genetics (formerly Invitae), Labcorp
Classification: Uncertain significance for Jeune thoracic dystrophy. Last evaluated: 2024-10-13. Review status: criteria provided, single submitter. Criteria: Invitae Variant Classification Sherloc (09022015). Collection method: clinical testing. Allele origin: germline.
Comment: This sequence change replaces glycine, which is neutral and non-polar, with valine, which is neutral and non-polar, at codon 4266 of the DYNC2H1 protein (p.Gly4266Val). This variant is present in population databases (rs368203507, gnomAD 0.04%). This variant has not been reported in the literature in individuals affected with DYNC2H1-related conditions. ClinVar contains an entry for this variant (Variation ID: 528902). Invitae Evidence Modeling of protein sequence and biophysical properties (such as structural, functional, and spatial information, amino acid conservation, physicochemical variation, residue mobility, and thermodynamic stability) indicates that this missense variant is not expected to disrupt DYNC2H1 protein function with a negative predictive value of 95%. In summary, the available evidence is currently insufficient to determine the role of this variant in disease. Therefore, it has been classified as a Variant of Uncertain Significance.

Women's Health and Genetics/Laboratory Corporation of America, LabCorp
Classification: Uncertain significance. Last evaluated: 2024-02-20. Review status: criteria provided, single submitter. Criteria: LabCorp Variant Classification Summary - May 2015. Collection method: clinical testing. Allele origin: germline.
Comment: Variant summary: DYNC2H1 c.12797G>T (p.Gly4266Val) results in a non-conservative amino acid change located in the Dynein heavy chain, C-terminal domain (IPR041228) of the encoded protein sequence. Three of five in-silico tools predict a benign effect of the variant on protein function. The variant allele was found at a frequency of 2.4e-05 in 249160 control chromosomes. The available data on variant occurrences in the general population are insufficient to allow any conclusion about variant significance. To our knowledge, no occurrence of c.12797G>T in individuals affected with Short-rib thoracic dysplasia and no experimental evidence demonstrating its impact on protein function have been reported. ClinVar contains an entry for this variant (Variation ID: 528902). Based on the evidence outlined above, the variant was classified as uncertain significance.

Blueprint Genetics
Classification: Uncertain significance. Last evaluated: 2022-10-14. Review status: criteria provided, single submitter. Criteria: ACMG Guidelines, 2015. Collection method: clinical testing. Allele origin: germline.

GeneDx
Classification: Uncertain significance. Last evaluated: 2020-02-06. Review status: criteria provided, single submitter. Criteria: GeneDx Variant Classification Process June 2021. Collection method: clinical testing. Allele origin: germline. Affected: yes.
Comment: Has not been previously published as pathogenic or benign to our knowledge; In silico analysis supports that this missense variant has a deleterious effect on protein structure/function